The following is an entry in ClinVar:

ClinVar aggregate classification (germline): Uncertain significance (0 of 4 stars; one submission).

Conditions:
Radioulnar synostosis. Also called: Congenital radioulnar synostosis. Identifiers: Orphanet 3269, MedGen C0158761, MONDO:0017985, HP:0002974.

Allele frequency attached by ClinVar (database versions not stated): gnomAD exomes below 0.00001.
gnomAD v4.1: 2 of 1,608,326 alleles (0.00012%); highest among the groups gnomAD compares: Non-Finnish European, 0.00017%; no homozygotes.

Submission:

The Laboratory of Genetics and Metabolism, Hunan Children’s Hospital
Classification: Uncertain significance for radioulnar synostosis. Last evaluated: 2019-05-14. Review status: no assertion criteria provided. Collection method: case-control. Allele origin: unknown. Affected: yes.
Comment: PM1, PM2, PP3

NM_005585.5(SMAD6):c.1109A>G (p.Gln370Arg)

Gene: SMAD6 (SMAD family member 6; plus strand). Cytogenetic location: 15q22.31.
Variant type: single nucleotide variant.
Coding change: c.1109A>G on transcript NM_005585.5 (MANE Select); coding-DNA position 1109, A replaced by G.
Protein change: p.Gln370Arg; replaces glutamine 370 with arginine.
Molecular consequence: missense variant. On other transcripts: non-coding transcript variant (1).
Genome position (GRCh38, 1-based): chr15:66,781,153, A>G. VCF-style: chr15-66781153-A-G. GRCh37 (hg19) VCF-style: chr15-67073491-A-G.
Other names: short protein forms Q370R.
Identifiers: ClinVar variation 690408 (VCV000690408.2), dbSNP rs1567115899, ClinGen allele CA393201880.
Genomic context (GRCh38, chr15:66,781,153, plus strand): 5'-ACGACCAGGCCGTCAGCATCTTCTACGACCTACCTCAGGGCAGCGGCTTCTGCCTGGGCC[A>G]GCTCAACCTGGAGCAGCGCAGCGAGTCGGTGCGGCGAACGCGCAGCAAGATCGGCTTCGG-3'
Protein context (NP_005576.3, residues 360-380): LPQGSGFCLG[Gln370Arg]LNLEQRSESV